The following is an entry in ClinVar:

ClinVar aggregate classification (germline): Uncertain significance (1 of 4 stars; one submission).

Conditions:
Cardiovascular phenotype. Identifiers: MedGen CN230736.

gnomAD v4.1: 3 of 1,612,796 alleles (0.00019%); highest among the groups gnomAD compares: Non-Finnish European, 0.00025%; no homozygotes.

Submission:

Ambry Genetics
Classification: Uncertain significance for Cardiovascular phenotype. Last evaluated: 2025-11-25. Review status: criteria provided, single submitter. Criteria: Ambry Variant Classification Scheme 2023. Collection method: clinical testing. Allele origin: germline.
Comment: The p.G2233R variant (also known as c.6697G>A), located in coding exon 18 of the TNXB gene, results from a G to A substitution at nucleotide position 6697. The glycine at codon 2233 is replaced by arginine, an amino acid with dissimilar properties. This amino acid position is conserved. In addition, this alteration is predicted to be tolerated by in silico analysis. Based on the available evidence, the clinical significance of this variant remains unclear.

NM_001365276.2(TNXB):c.6697G>A (p.Gly2233Arg)

Gene: TNXB (tenascin XB; minus strand). Cytogenetic location: 6p21.33.
Variant type: single nucleotide variant.
Coding change: c.6697G>A on transcript NM_001365276.2 (MANE Select); coding-DNA position 6697, G replaced by A.
Protein change: p.Gly2233Arg; replaces glycine 2233 with arginine.
Molecular consequence: missense variant.
Genome position (GRCh38, 1-based): chr6:32,064,965, C>T on the plus strand (G>A on the coding strand, the complement: TNXB is on the minus strand). VCF-style: chr6-32064965-C-T. GRCh37 (hg19) VCF-style: chr6-32032742-C-T.
Other names: c.7438G>A, p.Gly2480Arg (NM_001428335.1); c.6697G>A, p.Gly2233Arg (NM_019105.8); short protein forms G2233R, G2480R.
Identifiers: ClinVar variation 4615186 (VCV004615186.1).
Genomic context (GRCh38, chr6:32,064,965, plus strand): 5'-CCAGGCCCGAGATGGTGACCCCATCCTCGTGTCCCGGCACCCGCACCGCCTTGGGCTGCC[C>T]GTCCCCATTCTTAAACTGGACCAAGAAATGGTCAAACTGGCCCTCGGGGACTGTCCAGGA-3'
Protein context (NP_001352205.1, residues 2223-2243): HFLVQFKNGD[Gly2233Arg]QPKAVRVPGH